The following is an entry in ClinVar:

NM_000435.3(NOTCH3):c.634T>C (p.Cys212Arg)

Gene: NOTCH3 (notch receptor 3; minus strand). Cytogenetic location: 19p13.12.
Variant type: single nucleotide variant.
Coding change: c.634T>C on transcript NM_000435.3 (MANE Select); coding-DNA position 634, T replaced by C.
Protein change: p.Cys212Arg; replaces cysteine 212 with arginine.
Molecular consequence: missense variant.
Genome position (GRCh38, 1-based): chr19:15,192,005, A>G on the plus strand (T>C on the coding strand, the complement: NOTCH3 is on the minus strand). VCF-style: chr19-15192005-A-G. GRCh37 (hg19) VCF-style: chr19-15302816-A-G.
Other names: short protein forms C212R.
Identifiers: ClinVar variation 812745 (VCV000812745.3), dbSNP rs1555729455, ClinGen allele CA404533223.

ClinVar aggregate classification (germline): Pathogenic. Review status: criteria provided, single submitter (1 of 4 stars). 2 submissions from 2 submitters: Pathogenic (1). 1 of the submissions does not count toward it. Last evaluated 2025-06-03.

Conditions:
NOTCH3-related disorder. Also called: NOTCH3-related condition; NOTCH3-related disorders.
Abnormal cerebral white matter morphology. Also called: Abnormality of the cerebral white matter. Identifiers: MedGen C0948163, HP:0002500.
Migraine with aura. Identifiers: MedGen C0154723, MONDO:0005475, HP:0002077.
Depression. Also called: Depressivity; Mental depression; Depressive disorder. Identifiers: MedGen C0011581, MeSH D003866, MONDO:0002050, HP:0000716.
Ischemic stroke. Also called: CEREBROVASCULAR ACCIDENT; Ischemic stroke, susceptibility to. Identifiers: MedGen C0948008, MONDO:1060198, OMIM 601367, HP:0002140.
Migraine. Also called: Migraine disorder. Identifiers: MedGen C0149931, MONDO:0005277, HP:0002076.
Atypical behavior. Also called: Behavioral disorders; Behavioral abnormality. Identifiers: MedGen C0004941, HP:0000708.
Cognitive impairment. Also called: cognitive deficit. Identifiers: MedGen C0338656, HP:0100543.

Submissions (2):

PreventionGenetics, part of Exact Sciences
Classification: Pathogenic for NOTCH3-related condition. Last evaluated: 2025-06-03. Review status: criteria provided, single submitter. Criteria: ACMG Guidelines, 2015. Collection method: clinical testing. Allele origin: germline.
Comment: The NOTCH3 c.634T>C variant is predicted to result in the amino acid substitution p.Cys212Arg. This variant was reported in two individuals with CADASIL (Table 6, Mizuta et al. 2017. PubMed ID: 28991717; Table 1, Mukai et al. 2020. PubMed ID: 32277177). This variant was also identified in an individual with cerebral small vessel disease (CSVD; Supplementary Table 2, Turro et al. 2020. PubMed ID: 32581362). Different missense variants at the same amino acid residue (p.Cys212Ser, p.Cys212Gly, p.Cys212Tyr, p.Cys212Phe, p.Cys212Trp) have been reported in individuals with CADASIL (Joutel et al. 1997. PubMed ID: 9388399, Machowska-Sempruch et al. 2018. PubMed ID: 30545719, Bentley et al. 2011. PubMed ID: 21217157, Rodríguez-Quiroga et al. 2015. PubMed ID: 25989649, Spinicci et al. 2013. PubMed ID: 23465844). This variant is located in exon 4 of the NOTCH3 gene, which has been shown to be a hotspot for missense variants (Table 2 in Ni et al, 2022, PubMed ID: 35822697). Most CADASIL causing variants in the NOTCH3 gene result in the gain or loss of one or more cysteine residues in the extracellular domain of the protein, as seen in this patient. This patient’s variant alters a cysteine residue and is located in the extracellular EGFr-like domain five. Pathogenic variants in EGFr domains 1-6 appear to be fully penetrant and are usually associated with the classical CADASIL phenotype. However, there is variability in disease severity. Pathogenic variants in EGFr domains 7-34 have a much higher population frequency, and can predispose to a milder small-vessel disease, possibly even displaying incomplete or at least very late onset complete penetrance (OMIM #125310; Rutten et al. 2016. PubMed ID: 27844030; Rutten et al. 2019. PubMed ID: 30032161). This variant has not been reported in a large population database (gnomAD), indicating this variant is rare. This variant is interpreted as pathogenic.

NIHR Bioresource Rare Diseases, University of Cambridge
Classification: Pathogenic for Atypical behavior; Depression; Migraine; Migraine with aura; Ischemic stroke; Abnormal cerebral white matter morphology; Cognitive impairment. Review status: no assertion criteria provided. Collection method: research. Allele origin: unknown. Affected: yes. Observed: 1 variant allele. Not counted in ClinVar's aggregate classification.

Literature cited by the submitters: PubMed 32581362 (cited by NIHR Bioresource Rare Diseases, University of Cambridge).